The following is an entry in ClinVar:

ClinVar aggregate classification (germline): Likely pathogenic (1 of 4 stars; one submission).

Conditions:
Autosomal recessive limb-girdle muscular dystrophy. Identifiers: Orphanet 102015, MedGen C2931907, MONDO:0015152.

Submission:

Women's Health and Genetics/Laboratory Corporation of America, LabCorp
Classification: Likely pathogenic for Autosomal recessive limb-girdle muscular dystrophy. Last evaluated: 2026-03-16. Review status: criteria provided, single submitter. Criteria: LabCorp Variant Classification Summary - May 2015. Collection method: clinical testing. Allele origin: germline.
Comment: Variant summary: SGCA c.385+1G>A is located in a canonical splice-site and is predicted to affect mRNA splicing resulting in a significantly altered protein due to either exon skipping, shortening, or inclusion of intronic material. Variants that disrupt the consensus splice site are a relatively common cause of aberrant splicing and loss of SGCA function. Several computational tools predict a significant impact on normal splicing: Four predict the variant abolishes a 5' splicing donor site. However, these predictions have yet to be confirmed by functional studies. The variant was absent in 251394 control chromosomes. To our knowledge, no occurrence of c.385+1G>A in individuals affected with SGCA-related conditions and no experimental evidence demonstrating its impact on protein function have been reported. No submitters have cited clinical-significance assessments for this variant to ClinVar. Based on the evidence outlined above, the variant was classified as likely pathogenic.

NM_000023.4(SGCA):c.385+1G>A

Gene: SGCA (sarcoglycan alpha; plus strand). Cytogenetic location: 17q21.33.
Variant type: single nucleotide variant.
Coding change: c.385+1G>A on transcript NM_000023.4 (MANE Select); the canonical splice donor site of the intron after coding-DNA position 385, G replaced by A.
Molecular consequence: splice donor variant.
Genome position (GRCh38, 1-based): chr17:50,168,020, G>A. VCF-style: chr17-50168020-G-A. GRCh37 (hg19) VCF-style: chr17-48245381-G-A.
Other names: c.385+1G>A (NM_001135697.3).
Identifiers: ClinVar variation 4847205 (VCV004847205.1).